The following is an entry in ClinVar:

NM_170606.3(KMT2C):c.4144A>C (p.Ser1382Arg)

Gene: KMT2C (lysine methyltransferase 2C; minus strand). Cytogenetic location: 7q36.1.
Variant type: single nucleotide variant.
Coding change: c.4144A>C on transcript NM_170606.3 (MANE Select); coding-DNA position 4144, A replaced by C.
Protein change: p.Ser1382Arg; replaces serine 1382 with arginine.
Molecular consequence: missense variant.
Genome position (GRCh38, 1-based): chr7:152,199,408, T>G on the plus strand (A>C on the coding strand, the complement: KMT2C is on the minus strand). VCF-style: chr7-152199408-T-G. GRCh37 (hg19) VCF-style: chr7-151896493-T-G.
Other names: short protein forms S1382R.
Identifiers: ClinVar variation 4056561 (VCV004056561.1).

ClinVar aggregate classification (germline): Uncertain significance (1 of 4 stars; one submission).

Conditions:
Kleefstra syndrome 2 (KLEFS2). Identifiers: MedGen C4540395, MONDO:0054701, OMIM 617768.

Submission:

Laboratorio de Genetica e Diagnostico Molecular, Hospital Israelita Albert Einstein
Classification: Uncertain significance for Kleefstra syndrome 2. Last evaluated: 2023-10-27. Review status: criteria provided, single submitter. Criteria: ACMG Guidelines, 2015. Collection method: clinical testing. Allele origin: germline. Affected: yes.
Comment: ACMG classification criteria: PM2 moderate, BP4 supporting